The following is an entry in ClinVar:

NM_152756.5(RICTOR):c.2719C>T (p.Arg907Cys)

Gene: RICTOR (RPTOR independent companion of MTOR complex 2; minus strand). Cytogenetic location: 5p13.1.
Variant type: single nucleotide variant.
Coding change: c.2719C>T on transcript NM_152756.5 (MANE Select); coding-DNA position 2719, C replaced by T.
Protein change: p.Arg907Cys; replaces arginine 907 with cysteine.
Molecular consequence: missense variant.
Genome position (GRCh38, 1-based): chr5:38,953,532, G>A on the plus strand (C>T on the coding strand, the complement: RICTOR is on the minus strand). VCF-style: chr5-38953532-G-A. GRCh37 (hg19) VCF-style: chr5-38953634-G-A.
Other names: c.2719C>T, p.Arg907Cys (NM_001285439.2, NM_001438007.1, NM_001438248.1); c.1864C>T, p.Arg622Cys (NM_001285440.2); c.2671C>T, p.Arg891Cys (NM_001438049.1, NM_001438246.1, NM_001438247.1 and 1 more transcripts); short protein forms R622C, R891C, R907C.
Identifiers: ClinVar variation 4280770 (VCV004280770.7).

ClinVar aggregate classification (germline): Likely benign (1 of 4 stars; one submission).

gnomAD v4.1: 4,275 of 1,410,774 alleles (0.3%); highest among the groups gnomAD compares: Non-Finnish European, 0.36%; 3 homozygotes.

Submission:

CeGaT Center for Human Genetics Tuebingen
Classification: Likely benign. Last evaluated: 2025-09-01. Review status: criteria provided, single submitter. Criteria: CeGaT Center For Human Genetics Tuebingen Variant Classification Criteria Version 2. Collection method: clinical testing. Allele origin: germline. Affected: yes. Observed: 1 variant allele.
Comment: RICTOR: BP4, BS2